The following is an entry in ClinVar:

ClinVar aggregate classification (germline): Conflicting classifications of pathogenicity. Review status: criteria provided, conflicting classifications (1 of 4 stars). 3 submissions from 3 submitters: Uncertain significance (2); Likely benign (1). Last evaluated 2025-11-05.

Conditions:
Hereditary cancer-predisposing syndrome. Also called: Neoplastic Syndromes, Hereditary; Hereditary Cancer Syndrome; Hereditary neoplastic syndrome; Tumor predisposition. Identifiers: Orphanet 140162, MedGen C0027672, MeSH D009386, MONDO:0015356.

Allele frequency attached by ClinVar (database versions not stated): gnomAD 0.00001; gnomAD exomes 0.00001 and 0.00002; TOPMed 0.00001; ExAC 0.00002; ESP Exome Variant Server 0.00008.
gnomAD v4.1: 25 of 1,614,054 alleles (0.0015%); highest among the groups gnomAD compares: Non-Finnish European, 0.0021%; no homozygotes.

Submissions (3):

Labcorp Genetics (formerly Invitae), Labcorp
Classification: Uncertain significance. Last evaluated: 2025-11-05. Review status: criteria provided, single submitter. Criteria: Invitae Variant Classification Sherloc (09022015). Collection method: clinical testing. Allele origin: germline.
Comment: This sequence change replaces histidine, which is basic and polar, with tyrosine, which is neutral and polar, at codon 1440 of the POLE protein (p.His1440Tyr). This variant is present in population databases (rs373785842, gnomAD 0.002%). This variant has not been reported in the literature in individuals affected with POLE-related conditions. ClinVar contains an entry for this variant (Variation ID: 540685). Invitae Evidence Modeling of protein sequence and biophysical properties (such as structural, functional, and spatial information, amino acid conservation, physicochemical variation, residue mobility, and thermodynamic stability) indicates that this missense variant is not expected to disrupt POLE protein function with a negative predictive value of 80%. In summary, the available evidence is currently insufficient to determine the role of this variant in disease. Therefore, it has been classified as a Variant of Uncertain Significance.

Ambry Genetics
Classification: Likely benign for Hereditary cancer-predisposing syndrome. Last evaluated: 2024-12-31. Review status: criteria provided, single submitter. Criteria: Ambry Variant Classification Scheme 2023. Collection method: clinical testing. Allele origin: germline.

GeneDx
Classification: Uncertain significance. Last evaluated: 2023-01-04. Review status: criteria provided, single submitter. Criteria: GeneDx Variant Classification Process June 2021. Collection method: clinical testing. Allele origin: germline. Affected: yes.
Comment: Not observed at significant frequency in large population cohorts (gnomAD); In silico analysis supports that this missense variant does not alter protein structure/function; Has not been previously published as pathogenic or benign to our knowledge

NM_006231.4(POLE):c.4318C>T (p.His1440Tyr)

Gene: POLE (DNA polymerase epsilon, catalytic subunit; minus strand). Cytogenetic location: 12q24.33.
Variant type: single nucleotide variant.
Coding change: c.4318C>T on transcript NM_006231.4 (MANE Select); coding-DNA position 4318, C replaced by T.
Protein change: p.His1440Tyr; replaces histidine 1440 with tyrosine.
Molecular consequence: missense variant.
Genome position (GRCh38, 1-based): chr12:132,643,533, G>A on the plus strand (C>T on the coding strand, the complement: POLE is on the minus strand). VCF-style: chr12-132643533-G-A. GRCh37 (hg19) VCF-style: chr12-133220119-G-A.
Other names: short protein forms H1440Y.
Identifiers: ClinVar variation 540685 (VCV000540685.13), dbSNP rs373785842, ClinGen allele CA6892883.